The following is an entry in ClinVar:

ClinVar aggregate classification (germline): Likely pathogenic. Review status: criteria provided, multiple submitters, no conflicts (2 of 4 stars). 2 submissions from 2 submitters: Likely pathogenic (2). Last evaluated 2025-12-08.

Conditions:
Polyglandular autoimmune syndrome, type 1 (APS1). Also called: Autoimmune polyendocrine syndrome type 1; Whitaker syndrome; PGA I; Autoimmune polyendocrinopathy syndrome , type I, with or without reversible metaphyseal dysplasia; AUTOIMMUNE POLYENDOCRINE SYNDROME, TYPE I, WITH OR WITHOUT REVERSIBLE METAPHYSEAL DYSPLASIA; APS I. Identifiers: Orphanet 3453, MedGen C0085859, MONDO:0009411, OMIM 240300.

Submissions (2):

Myriad Genetics, Inc.
Classification: Likely pathogenic for Polyglandular autoimmune syndrome, type 1. Last evaluated: 2025-12-08. Review status: criteria provided, single submitter. Criteria: Myriad Autosomal Dominant, Autosomal Recessive and X-Linked Classification Criteria (2023). Collection method: clinical testing. Allele origin: unknown.
Comment: NM_000383.3(AIRE):c.133-1G>A is a variant in a canonical splice site classified as likely pathogenic in the context of autoimmune polyglandular syndrome type 1. c.133-1G>A has not been observed in cases with relevant disease. Relevant functional assessments of this variant are not available in the literature. c.133-1G>A has not been observed in referenced population frequency databases. In summary, NM_000383.3(AIRE):c.133-1G>A is a variant in a canonical splice site in a gene where loss of function is a known mechanism of disease and is predicted to disrupt protein function. Please note: this variant was assessed in the context of healthy population screening.

Natera, Inc.
Classification: Likely pathogenic for Polyglandular autoimmune syndrome type 1. Last evaluated: 2024-06-17. Review status: criteria provided, single submitter. Criteria: Natera Variant Classification Schema (03/2026). Collection method: clinical testing. Allele origin: germline.
Comment: The c.133-1G>A variant in AIRE is a canonical splice acceptor site variant predicted to affect pre-mRNA splicing, which may result in an abnormal transcript and altered protein product. This variant is expected to result in nonsense mediated decay, truncation, or a dysfunctional protein product. This variant is rare in the general population with a frequency below the threshold expected for the associated phenotype(s). Given the available evidence, this variant is classified as Likely Pathogenic.

NM_000383.4(AIRE):c.133-1G>A

Gene: AIRE (autoimmune regulator; plus strand). Cytogenetic location: 21q22.3.
Variant type: single nucleotide variant.
Coding change: c.133-1G>A on transcript NM_000383.4 (MANE Select); the canonical splice acceptor site of the intron before coding-DNA position 133, G replaced by A.
Molecular consequence: splice acceptor variant.
Genome position (GRCh38, 1-based): chr21:44,286,556, G>A. VCF-style: chr21-44286556-G-A. GRCh37 (hg19) VCF-style: chr21-45706439-G-A.
Identifiers: ClinVar variation 4818287 (VCV004818287.2).